The following is an entry in ClinVar:

NM_000540.3(RYR1):c.2680C>A (p.Pro894Thr)

Gene: RYR1 (ryanodine receptor 1; plus strand). Cytogenetic location: 19q13.2.
Variant type: single nucleotide variant.
Coding change: c.2680C>A on transcript NM_000540.3 (MANE Select); coding-DNA position 2680, C replaced by A.
Protein change: p.Pro894Thr; replaces proline 894 with threonine.
Molecular consequence: missense variant.
Genome position (GRCh38, 1-based): chr19:38,463,525, C>A. VCF-style: chr19-38463525-C-A. GRCh37 (hg19) VCF-style: chr19-38954165-C-A.
Other names: c.2680C>A, p.Pro894Thr (NM_001042723.2); short protein forms P894T.
Identifiers: ClinVar variation 478217 (VCV000478217.9), dbSNP rs111976711, ClinGen allele CA308074282.

ClinVar aggregate classification (germline): Conflicting classifications of pathogenicity. Review status: criteria provided, conflicting classifications (1 of 4 stars). 2 submissions from 2 submitters: Uncertain significance (1); Likely benign (1). Last evaluated 2026-01-28.

Conditions:
RYR1-related disorder. Also called: RYR1-related condition; RYR1-related disorders. Identifiers: MedGen CN239331.
Malignant hyperthermia, susceptibility to, 1 (MHS1). Also called: Anesthesia related hyperthermia; Malignant hyperpyrexia; Fulminating hyperpyrexia; Pharmacogenic myopathy; Malignant hyperthermia suceptibility 1; RYR1-Related Malignant Hyperthermia Susceptibility. Identifiers: Orphanet 423, MedGen C2930980, MONDO:0007783, OMIM 145600.

Allele frequency attached by ClinVar (database versions not stated): TOPMed below 0.00001; gnomAD 0.00001; ESP Exome Variant Server 0.00008.
gnomAD v4.1: 55 of 1,611,862 alleles (0.0034%); highest among the groups gnomAD compares: African/African-American, 0.032%; 3 homozygotes.

Submissions (2):

Labcorp Genetics (formerly Invitae), Labcorp
Classification: Uncertain significance for RYR1-related disorder. Last evaluated: 2026-01-28. Review status: criteria provided, single submitter. Criteria: Invitae Variant Classification Sherloc (09022015). Collection method: clinical testing. Allele origin: germline.
Comment: This sequence change replaces proline, which is neutral and non-polar, with threonine, which is neutral and polar, at codon 894 of the RYR1 protein (p.Pro894Thr). This variant is not present in population databases (gnomAD no frequency). This variant has not been reported in the literature in individuals affected with RYR1-related conditions. ClinVar contains an entry for this variant (Variation ID: 478217). An algorithm developed to predict the effect of missense changes on protein structure and function (PolyPhen-2) suggests that this variant is likely to be tolerated. In summary, the available evidence is currently insufficient to determine the role of this variant in disease. Therefore, it has been classified as a Variant of Uncertain Significance.

Color Diagnostics, LLC DBA Color Health
Classification: Likely benign for Malignant hyperthermia, susceptibility to, 1. Last evaluated: 2025-07-25. Review status: criteria provided, single submitter. Criteria: ACMG Guidelines, 2015. Collection method: clinical testing. Allele origin: germline.